The following is an entry in ClinVar:

ClinVar aggregate classification (germline): Uncertain significance (1 of 4 stars; one submission).

Conditions:
Familial hemophagocytic lymphohistiocytosis 3 (FHL3). Also called: UNC13D-Related Familial Hemophagocytic Lymphohistiocytosis (UNC13D-fHLH). Identifiers: Orphanet 540, MedGen C1837174, MONDO:0012146, OMIM 608898.

Allele frequency attached by ClinVar (database versions not stated): ExAC 0.00001; gnomAD exomes 0.00001; TOPMed 0.00001.
gnomAD v4.1: 15 of 1,613,834 alleles (0.00093%); highest among the groups gnomAD compares: Middle Eastern, 0.016%; no homozygotes.

Submission:

Labcorp Genetics (formerly Invitae), Labcorp
Classification: Uncertain significance for Familial hemophagocytic lymphohistiocytosis 3. Last evaluated: 2021-09-15. Review status: criteria provided, single submitter. Criteria: Invitae Variant Classification Sherloc (09022015). Collection method: clinical testing. Allele origin: germline.
Comment: This sequence change falls in intron 10 of the UNC13D gene. It does not directly change the encoded amino acid sequence of the UNC13D protein. The frequency data for this variant in the population databases is considered unreliable, as metrics indicate poor data quality at this position in the ExAC database. This variant has not been reported in the literature in individuals affected with UNC13D-related conditions. Algorithms developed to predict the effect of sequence changes on RNA splicing suggest that this variant may create or strengthen a splice site. In summary, the available evidence is currently insufficient to determine the role of this variant in disease. Therefore, it has been classified as a Variant of Uncertain Significance.

NM_199242.3(UNC13D):c.858+8G>A

Gene: UNC13D (unc-13 homolog D; minus strand). Cytogenetic location: 17q25.1.
Variant type: single nucleotide variant.
Coding change: c.858+8G>A on transcript NM_199242.3 (MANE Select); 8 bases into the intron after coding-DNA position 858, G replaced by A.
Molecular consequence: intron variant.
Genome position (GRCh38, 1-based): chr17:75,840,217, C>T on the plus strand (G>A on the coding strand, the complement: UNC13D is on the minus strand). VCF-style: chr17-75840217-C-T. GRCh37 (hg19) VCF-style: chr17-73836298-C-T.
Identifiers: ClinVar variation 1402482 (VCV001402482.3), dbSNP rs746620594, ClinGen allele CA8773255.